The following is an entry in ClinVar:

NM_199420.4(POLQ):c.5999C>T (p.Ser2000Phe)

Gene: POLQ (DNA polymerase theta; minus strand). Cytogenetic location: 3q13.33.
Variant type: single nucleotide variant.
Coding change: c.5999C>T on transcript NM_199420.4 (MANE Select); coding-DNA position 5999, C replaced by T.
Protein change: p.Ser2000Phe; replaces serine 2000 with phenylalanine.
Molecular consequence: missense variant.
Genome position (GRCh38, 1-based): chr3:121,481,784, G>A on the plus strand (C>T on the coding strand, the complement: POLQ is on the minus strand). VCF-style: chr3-121481784-G-A. GRCh37 (hg19) VCF-style: chr3-121200631-G-A.
Other names: short protein forms S2000F.
Identifiers: ClinVar variation 3308509 (VCV003308509.1).

ClinVar aggregate classification (germline): Uncertain significance (1 of 4 stars; one submission).

Submission:

Ambry Genetics
Classification: Uncertain significance. Last evaluated: 2024-04-26. Review status: criteria provided, single submitter. Criteria: Ambry Variant Classification Scheme 2023. Collection method: clinical testing. Allele origin: germline.
Comment: The p.S2000F variant (also known as c.5999C>T), located in coding exon 19 of the POLQ gene, results from a C to T substitution at nucleotide position 5999. The serine at codon 2000 is replaced by phenylalanine, an amino acid with highly dissimilar properties. This amino acid position is conserved. In addition, this alteration is predicted to be tolerated by in silico analysis. Based on the available evidence, the clinical significance of this variant remains unclear.